The following is an entry in ClinVar:

NM_014000.3(VCL):c.13C>G (p.His5Asp)

Genes: VCL (vinculin; plus strand), LOC130004109 (ATAC-STARR-seq lymphoblastoid active region 3587; plus strand). Cytogenetic location: 10q22.2.
Variant type: single nucleotide variant.
Coding change: c.13C>G on transcript NM_014000.3 (MANE Select); coding-DNA position 13, C replaced by G.
Protein change: p.His5Asp; replaces histidine 5 with aspartic acid.
Molecular consequence: missense variant.
Genome position (GRCh38, 1-based): chr10:73,998,220, C>G. VCF-style: chr10-73998220-C-G. GRCh37 (hg19) VCF-style: chr10-75757978-C-G.
Other names: c.13C>G, p.His5Asp (NM_003373.4); short protein forms H5D.
Identifiers: ClinVar variation 4824337 (VCV004824337.1).

ClinVar aggregate classification (germline): Uncertain significance (1 of 4 stars; one submission).

Conditions:
Cardiovascular phenotype. Identifiers: MedGen CN230736.

Submission:

Ambry Genetics
Classification: Uncertain significance for Cardiovascular phenotype. Last evaluated: 2026-01-24. Review status: criteria provided, single submitter. Criteria: Ambry Variant Classification Scheme 2023. Collection method: clinical testing. Allele origin: germline.
Comment: The p.H5D variant (also known as c.13C>G), located in coding exon 1 of the VCL gene, results from a C to G substitution at nucleotide position 13. The histidine at codon 5 is replaced by aspartic acid, an amino acid with similar properties. This amino acid position is conserved. In addition, this alteration is predicted to be deleterious by in silico analysis. Based on the available evidence, the clinical significance of this variant remains unclear.